The following is an entry in ClinVar:

NM_014981.3(MYH15):c.3531T>C (p.Phe1177=)

Gene: MYH15 (myosin heavy chain 15; minus strand). Cytogenetic location: 3q13.13.
Variant type: single nucleotide variant.
Coding change: c.3531T>C on transcript NM_014981.3 (MANE Select); coding-DNA position 3531, T replaced by C.
Protein change: p.Phe1177=; no amino-acid change (phenylalanine 1177 retained).
Molecular consequence: synonymous variant.
Genome position (GRCh38, 1-based): chr3:108,428,663, A>G on the plus strand (T>C on the coding strand, the complement: MYH15 is on the minus strand). VCF-style: chr3-108428663-A-G. GRCh37 (hg19) VCF-style: chr3-108147510-A-G.
Identifiers: ClinVar variation 714474 (VCV000714474.28), dbSNP rs201473403, ClinGen allele CA2527979.

ClinVar aggregate classification (germline): Benign/Likely benign. Review status: criteria provided, multiple submitters, no conflicts (2 of 4 stars). 3 submissions from 3 submitters: Benign (2); Likely benign (1). Last evaluated 2022-06-01.

Allele frequency attached by ClinVar (database versions not stated): 1000 Genomes Project 30x 0.00094; 1000 Genomes Project 0.00100; ExAC 0.00153; gnomAD 0.00158 and 0.00177; ESP Exome Variant Server 0.00171; gnomAD exomes 0.00172 and 0.00203; TOPMed 0.00183.
gnomAD v4.1: 3,244 of 1,612,958 alleles (0.2%); highest among the groups gnomAD compares: Middle Eastern, 0.26%; 9 homozygotes.

Submissions (3):

CeGaT Center for Human Genetics Tuebingen
Classification: Likely benign. Last evaluated: 2022-06-01. Review status: criteria provided, single submitter. Criteria: CeGaT Center For Human Genetics Tuebingen Variant Classification Criteria Version 2. Collection method: clinical testing. Allele origin: germline. Affected: yes. Observed: 1 variant allele.
Comment: MYH15: BP4, BP7

Labcorp Genetics (formerly Invitae), Labcorp
Classification: Benign. Last evaluated: 2018-07-26. Review status: criteria provided, single submitter. Criteria: Invitae Variant Classification Sherloc (09022015). Collection method: clinical testing. Allele origin: germline.

Breakthrough Genomics
Classification: Benign. Review status: criteria provided, single submitter. Criteria: ACMG Guidelines, 2015. Collection method: not provided. Allele origin: germline. Inheritance: Unknown mechanism. Affected: yes.